The following is an entry in ClinVar:

NM_001378687.1(ATP2C1):c.1570+9A>G

Gene: ATP2C1 (ATPase secretory pathway Ca2+ transporting 1; plus strand). Cytogenetic location: 3q22.1.
Variant type: single nucleotide variant.
Coding change: c.1570+9A>G on transcript NM_001378687.1 (MANE Select); 9 bases into the intron after coding-DNA position 1570, A replaced by G.
Molecular consequence: intron variant.
Genome position (GRCh38, 1-based): chr3:130,975,497, A>G. VCF-style: chr3-130975497-A-G. GRCh37 (hg19) VCF-style: chr3-130694341-A-G.
Other names: c.1672+9A>G (NM_001378511.1, NM_001199180.2, NM_001199181.3); c.1555+9A>G (NM_001199182.2); c.1570+9A>G (NM_001001486.2, NM_001001487.2, NM_001001485.3 and 5 more transcripts); c.1522+9A>G (NM_001378514.1, NM_001199183.2, NM_001199184.3).
Identifiers: ClinVar variation 343327 (VCV000343327.10), dbSNP rs199864073, ClinGen allele CA2615150.
Genomic context (GRCh38, chr3:130,975,497, plus strand): 5'-AGAGATGTGTACCAACAAGAGAAGGCACGCATGGGCTCAGCGGGACTCAGAGGTAAGGCT[A>G]TTTCAGCATAGTCCCCTGGGGTGGAAAGGTAGAGCCTTCTTTTAATTGCAGATGAATTCA-3'

ClinVar aggregate classification (germline): Benign/Likely benign. Review status: criteria provided, multiple submitters, no conflicts (2 of 4 stars). 3 submissions from 3 submitters: Benign (2); Likely benign (1). Last evaluated 2022-10-19.

Conditions:
Familial benign pemphigus (HHD). Identifiers: Orphanet 2841, MedGen C0085106, MONDO:0008218, OMIM 169600.

Allele frequency attached by ClinVar (database versions not stated): 1000 Genomes Project 30x 0.00031; 1000 Genomes Project 0.00040; gnomAD exomes 0.00048 and 0.00091; TOPMed 0.00055; gnomAD 0.00064 and 0.00067; ESP Exome Variant Server 0.00069; ExAC 0.00083.
gnomAD v4.1: 863 of 1,613,236 alleles (0.053%); highest among the groups gnomAD compares: Middle Eastern, 1.1%; 6 homozygotes.

Submissions (3):

Labcorp Genetics (formerly Invitae), Labcorp
Classification: Likely benign. Last evaluated: 2022-10-19. Review status: criteria provided, single submitter. Criteria: Invitae Variant Classification Sherloc (09022015). Collection method: clinical testing. Allele origin: germline.

Illumina Laboratory Services, Illumina
Classification: Benign for Familial benign pemphigus. Last evaluated: 2018-01-13. Review status: criteria provided, single submitter. Criteria: ICSL Variant Classification Criteria 13 December 2019. Collection method: clinical testing. Allele origin: germline.
Comment: This variant was observed in the ICSL laboratory as part of a predisposition screen in an ostensibly healthy population. It had not been previously curated by ICSL or reported in the Human Gene Mutation Database (HGMD: prior to June 1st, 2018), and was therefore a candidate for classification through an automated scoring system. Utilizing variant allele frequency, disease prevalence and penetrance estimates, and inheritance mode, an automated score was calculated to assess if this variant is too frequent to cause the disease. Based on the score and internal cut-off values, a variant classified as benign is not then subjected to further curation. The score for this variant resulted in a classification of benign for this disease.

Breakthrough Genomics
Classification: Benign. Review status: criteria provided, single submitter. Criteria: ACMG Guidelines, 2015. Collection method: not provided. Allele origin: germline. Inheritance: Autosomal dominant inheritance. Affected: yes.